The following is an entry in ClinVar:

ClinVar aggregate classification (germline): Uncertain significance. Review status: criteria provided, multiple submitters, no conflicts (2 of 4 stars). 3 submissions from 3 submitters: Uncertain significance (3). Last evaluated 2025-12-30.

Conditions:
Hereditary cancer-predisposing syndrome. Also called: Neoplastic Syndromes, Hereditary; Hereditary Cancer Syndrome; Hereditary neoplastic syndrome; Tumor predisposition. Identifiers: Orphanet 140162, MedGen C0027672, MeSH D009386, MONDO:0015356.

Allele frequency attached by ClinVar (database versions not stated): gnomAD exomes below 0.00001 and 0.00001; TOPMed below 0.00001; gnomAD 0.00001 and 0.00002.
gnomAD v4.1: 9 of 1,614,032 alleles (0.00056%); highest among the groups gnomAD compares: Admixed American, 0.0067%; no homozygotes.

Submissions (3):

Labcorp Genetics (formerly Invitae), Labcorp
Classification: Uncertain significance. Last evaluated: 2025-12-30. Review status: criteria provided, single submitter. Criteria: Invitae Variant Classification Sherloc (09022015). Collection method: clinical testing. Allele origin: germline.
Comment: This sequence change replaces isoleucine, which is neutral and non-polar, with valine, which is neutral and non-polar, at codon 87 of the POLE protein (p.Ile87Val). This variant is present in population databases (no rsID available, gnomAD 0.009%). This variant has not been reported in the literature in individuals affected with POLE-related conditions. ClinVar contains an entry for this variant (Variation ID: 540720). Invitae Evidence Modeling of protein sequence and biophysical properties (such as structural, functional, and spatial information, amino acid conservation, physicochemical variation, residue mobility, and thermodynamic stability) indicates that this missense variant is not expected to disrupt POLE protein function with a negative predictive value of 80%. In summary, the available evidence is currently insufficient to determine the role of this variant in disease. Therefore, it has been classified as a Variant of Uncertain Significance.

Ambry Genetics
Classification: Uncertain significance for Hereditary cancer-predisposing syndrome. Last evaluated: 2024-06-22. Review status: criteria provided, single submitter. Criteria: Ambry Variant Classification Scheme 2023. Collection method: clinical testing. Allele origin: germline.
Comment: The p.I87V variant (also known as c.259A>G), located in coding exon 3 of the POLE gene, results from an A to G substitution at nucleotide position 259. The isoleucine at codon 87 is replaced by valine, an amino acid with highly similar properties. This amino acid position is conserved. In addition, this alteration is predicted to be tolerated by in silico analysis. Since supporting evidence is limited at this time, the clinical significance of this alteration remains unclear.

GeneDx
Classification: Uncertain significance. Last evaluated: 2023-11-01. Review status: criteria provided, single submitter. Criteria: GeneDx Variant Classification Process June 2021. Collection method: clinical testing. Allele origin: germline. Affected: yes.
Comment: Not observed at significant frequency in large population cohorts (gnomAD); In silico analysis supports that this missense variant does not alter protein structure/function; Has not been previously published as pathogenic or benign to our knowledge; This variant is associated with the following publications: (PMID: 29056344)

NM_006231.4(POLE):c.259A>G (p.Ile87Val)

Gene: POLE (DNA polymerase epsilon, catalytic subunit; minus strand). Cytogenetic location: 12q24.33.
Variant type: single nucleotide variant.
Coding change: c.259A>G on transcript NM_006231.4 (MANE Select); coding-DNA position 259, A replaced by G.
Protein change: p.Ile87Val; replaces isoleucine 87 with valine.
Molecular consequence: missense variant.
Genome position (GRCh38, 1-based): chr12:132,680,633, T>C on the plus strand (A>G on the coding strand, the complement: POLE is on the minus strand). VCF-style: chr12-132680633-T-C. GRCh37 (hg19) VCF-style: chr12-133257219-T-C.
Other names: c.259A>G (NM_006231.2); short protein forms I87V.
Identifiers: ClinVar variation 540720 (VCV000540720.17), dbSNP rs1223305093, ClinGen allele CA387369111.